The following is an entry in ClinVar:

NM_001253697.2(ERBIN):c.3963+4A>G

Gene: ERBIN (erbb2 interacting protein; plus strand). Cytogenetic location: 5q12.3.
Variant type: single nucleotide variant.
Coding change: c.3963+4A>G on transcript NM_001253697.2 (MANE Select); 4 bases into the intron after coding-DNA position 3963, A replaced by G.
Molecular consequence: intron variant.
Genome position (GRCh38, 1-based): chr5:66,075,234, A>G. VCF-style: chr5-66075234-A-G. GRCh37 (hg19) VCF-style: chr5-65371062-A-G.
Other names: c.3984+4A>G (NM_001253699.2); c.3840+4A>G (NM_018695.4, NM_001253698.2); c.3634-1082A>G (NM_001006600.3); c.3828+4A>G (NM_001253701.2).
Identifiers: ClinVar variation 2913337 (VCV002913337.3), dbSNP rs1266570800, ClinGen allele CA560298454.
Genomic context (GRCh38, chr5:66,075,234, plus strand): 5'-CCATATACACAGCCCCATTGTTCTCCTAGACAAGGCCATGAACTGGCAAAACAAGAGGTA[A>G]GAATAATCAAGACTATTTGAAATATGGGACTAAGCTTTTTATGTATTTTTATAGGTTACT-3'

ClinVar aggregate classification (germline): Uncertain significance (1 of 4 stars; one submission).

Allele frequency attached by ClinVar (database versions not stated): gnomAD exomes below 0.00001.
gnomAD v4.1: 2 of 1,609,702 alleles (0.00012%); highest among the groups gnomAD compares: Admixed American, 0.0017%; no homozygotes.

Submission:

Labcorp Genetics (formerly Invitae), Labcorp
Classification: Uncertain significance. Last evaluated: 2024-02-25. Review status: criteria provided, single submitter. Criteria: Invitae Variant Classification Sherloc (09022015). Collection method: clinical testing. Allele origin: germline.
Comment: This sequence change falls in intron 23 of the ERBIN gene. It does not directly change the encoded amino acid sequence of the ERBIN protein. It affects a nucleotide within the consensus splice site. This variant is present in population databases (no rsID available, gnomAD 0.003%). This variant has not been reported in the literature in individuals affected with ERBIN-related conditions. Variants that disrupt the consensus splice site are a relatively common cause of aberrant splicing (PMID: 17576681, 9536098). Algorithms developed to predict the effect of sequence changes on RNA splicing suggest that this variant may disrupt the consensus splice site. In summary, the available evidence is currently insufficient to determine the role of this variant in disease. Therefore, it has been classified as a Variant of Uncertain Significance.

Literature cited by the submitters: PubMed 17576681; PubMed 9536098.